The following is an entry in ClinVar:

ClinVar aggregate classification (germline): Pathogenic (1 of 4 stars; one submission).

Submission:

CeGaT Center for Human Genetics Tuebingen
Classification: Pathogenic. Last evaluated: 2026-02-01. Review status: criteria provided, single submitter. Criteria: CeGaT Center For Human Genetics Tuebingen Variant Classification Criteria Version 2. Collection method: clinical testing. Allele origin: germline. Affected: yes. Observed: 2 variant alleles.
Comment: GLUD1: PM1, PM2, PM4, PM5, PP4:Moderate

NM_005271.5(GLUD1):c.1479_1492delinsGAGTACAA (p.Phe493_Ser498delinsLeuSerThrThr)

Gene: GLUD1 (glutamate dehydrogenase 1; minus strand). Cytogenetic location: 10q23.2.
Variant type: Indel.
Coding change: c.1479_1492delinsGAGTACAA on transcript NM_005271.5 (MANE Select); coding-DNA positions 1479 to 1492, CCAAGACAGGATAT replaced by GAGTACAA.
Protein change: p.Phe493_Ser498delinsLeuSerThrThr.
Molecular consequence: inframe indel.
Genome position (GRCh38, 1-based): chr10:87,057,693-87,057,706, ATATCCTGTCTTGG replaced by TTGTACTC on the plus strand (CCAAGACAGGATAT replaced by GAGTACAA on the coding strand, the reverse complement: GLUD1 is on the minus strand). VCF-style: chr10-87057693-ATATCCTGTCTTGG-TTGTACTC. GRCh37 (hg19) VCF-style: chr10-88817450-ATATCCTGTCTTGG-TTGTACTC.
Other names: c.1080_1093delinsGAGTACAA, p.Phe360_Ser365delinsLeuSerThrThr (NM_001318900.1); c.978_991delinsGAGTACAA, p.Phe326_Ser331delinsLeuSerThrThr (NM_001318901.1, NM_001318902.1, NM_001318904.2 and 2 more transcripts).
Identifiers: ClinVar variation 4086000 (VCV004086000.8).